The following is an entry in ClinVar:

ClinVar aggregate classification (germline): Likely benign (1 of 4 stars; one submission).

Allele frequency attached by ClinVar (database versions not stated): gnomAD exomes below 0.00001.
gnomAD v4.1: 1 of 1,176,625 alleles (0.000085%); no homozygotes.

Submission:

CeGaT Center for Human Genetics Tuebingen
Classification: Likely benign. Last evaluated: 2023-03-01. Review status: criteria provided, single submitter. Criteria: CeGaT Center For Human Genetics Tuebingen Variant Classification Criteria Version 2. Collection method: clinical testing. Allele origin: germline. Affected: yes. Observed: 1 variant allele.
Comment: SH2D1A: BP4, BP7

NM_002351.5(SH2D1A):c.156T>C (p.Tyr52=)

Gene: SH2D1A (SH2 domain containing 1A; plus strand). Cytogenetic location: Xq25.
Variant type: single nucleotide variant.
Coding change: c.156T>C on transcript NM_002351.5 (MANE Select); coding-DNA position 156, T replaced by C.
Protein change: p.Tyr52=; no amino-acid change (tyrosine 52 retained).
Molecular consequence: synonymous variant.
Genome position (GRCh38, 1-based): chrX:124,365,779, T>C. VCF-style: chrX-124365779-T-C. GRCh37 (hg19) VCF-style: chrX-123499629-T-C.
Other names: c.156T>C, p.Tyr52= (NM_001114937.3).
Identifiers: ClinVar variation 2661359 (VCV002661359.24), dbSNP rs1391332749, ClinGen allele CA414123471.
Genomic context (GRCh38, chrX:124,365,779, plus strand): 5'-TCTTTTGGAATCTTTCAGTAATGGAAGTTTATTCTTTCACAGGTATCACGGTTACATTTA[T>C]ACATACCGAGTGTCCCAGACAGAAACAGGTTCTTGGAGTGCTGAGGTATAGTTGTATTTA-3'
Protein context (NP_002342.1, residues 42-62): CLCVLYHGYI[Tyr52=]TYRVSQTETG